The following is an entry in ClinVar:

ClinVar aggregate classification (germline): Likely pathogenic (1 of 4 stars; one submission).

Conditions:
Primary ciliary dyskinesia. Also called: Ciliary dyskinesia. Identifiers: Orphanet 244, MedGen C0008780, MONDO:0016575, HP:0012265.

Submission:

Labcorp Genetics (formerly Invitae), Labcorp
Classification: Likely pathogenic for Primary ciliary dyskinesia. Last evaluated: 2024-08-15. Review status: criteria provided, single submitter. Criteria: Invitae Variant Classification Sherloc (09022015). Collection method: clinical testing. Allele origin: germline.
Comment: This sequence change affects an acceptor splice site in intron 4 of the CCDC40 gene. It is expected to disrupt RNA splicing. Variants that disrupt the donor or acceptor splice site typically lead to a loss of protein function (PMID: 16199547), and loss-of-function variants in CCDC40 are known to be pathogenic (PMID: 21131974, 22693285, 23255504). This variant is not present in population databases (gnomAD no frequency). This variant has not been reported in the literature in individuals affected with CCDC40-related conditions. Algorithms developed to predict the effect of sequence changes on RNA splicing suggest that this variant may disrupt the consensus splice site. In summary, the currently available evidence indicates that the variant is pathogenic, but additional data are needed to prove that conclusively. Therefore, this variant has been classified as Likely Pathogenic.

Literature cited by the submitters: PubMed 16199547; PubMed 21131974; PubMed 22693285; PubMed 23255504.

NM_017950.4(CCDC40):c.677-1G>T

Gene: CCDC40 (coiled-coil domain 40 molecular ruler complex subunit; plus strand). Cytogenetic location: 17q25.3.
Variant type: single nucleotide variant.
Coding change: c.677-1G>T on transcript NM_017950.4 (MANE Select); the canonical splice acceptor site of the intron before coding-DNA position 677, G replaced by T.
Molecular consequence: splice acceptor variant.
Genome position (GRCh38, 1-based): chr17:80,048,582, G>T. VCF-style: chr17-80048582-G-T. GRCh37 (hg19) VCF-style: chr17-78022381-G-T.
Other names: c.677-1G>T (NM_001243342.2, NM_001330508.2).
Identifiers: ClinVar variation 2904662 (VCV002904662.3), dbSNP rs2510289229, ClinGen allele CA401353433.